The following is an entry in ClinVar:

ClinVar aggregate classification (germline): Uncertain significance (1 of 4 stars; one submission).

Conditions:
Intellectual disability, autosomal recessive 53 (NEDHSCA). Also called: GLYCOSYLPHOSPHATIDYLINOSITOL BIOSYNTHESIS DEFECT 13; Mental retardation, autosomal recessive 53; NEURODEVELOPMENTAL DISORDER WITH OR WITHOUT HYPOTONIA, SEIZURES, AND CEREBELLAR ATROPHY. Identifiers: Orphanet 488635, MedGen C4310794, MONDO:0014832, OMIM 616917.

Allele frequency attached by ClinVar (database versions not stated): gnomAD exomes below 0.00001.
gnomAD v4.1: 1 of 1,613,596 alleles (0.000062%); highest among the groups gnomAD compares: Non-Finnish European, 0.000085%; no homozygotes.

Submission:

Institute of Human Genetics, University of Leipzig Medical Center
Classification: Uncertain significance for Intellectual disability, autosomal recessive 53. Last evaluated: 2021-10-01. Review status: criteria provided, single submitter. Criteria: ACMG Guidelines, 2015. Collection method: clinical testing. Allele origin: unknown. Affected: yes.
Comment: This variant was identified as homozygous.

NM_001127178.3(PIGG):c.2860A>G (p.Lys954Glu)

Gene: PIGG (phosphatidylinositol glycan anchor biosynthesis class G (EMM blood group); plus strand). Cytogenetic location: 4p16.3.
Variant type: single nucleotide variant.
Coding change: c.2860A>G on transcript NM_001127178.3 (MANE Select); coding-DNA position 2860, A replaced by G.
Protein change: p.Lys954Glu; replaces lysine 954 with glutamic acid.
Molecular consequence: missense variant. On other transcripts: non-coding transcript variant (10).
Genome position (GRCh38, 1-based): chr4:539,277, A>G. VCF-style: chr4-539277-A-G. GRCh37 (hg19) VCF-style: chr4-533066-A-G.
Other names: c.2593A>G, p.Lys865Glu (NM_001289051.2, NM_001345986.2); c.2461A>G, p.Lys821Glu (NM_001289052.2); c.2569A>G, p.Lys857Glu (NM_001345987.2); c.1831A>G, p.Lys611Glu (NM_001345988.2); c.1327A>G, p.Lys443Glu (NM_001345990.2, NM_001345991.2); c.1762A>G, p.Lys588Glu (NM_001345994.2); c.2836A>G, p.Lys946Glu (NM_017733.5); short protein forms K443E, K588E, K611E, K821E, K857E, K865E, K946E, K954E.
Identifiers: ClinVar variation 1299340 (VCV001299340.1), dbSNP rs1311138741, ClinGen allele CA355914584.
Genomic context (GRCh38, chr4:539,277, plus strand): 5'-TACATCGTTTTGGTGACATCTCTGCGTTATCATTTATTTATATGGAGTGTATTTTCTCCA[A>G]AACTTCTCTACGAGGGAATGCACCTGCTCATTACAGCTGCTGTCTGTGTATTCTTCACGG-3'
Protein context (NP_001120650.1, residues 944-964): HLFIWSVFSP[Lys954Glu]LLYEGMHLLI